The following is an entry in ClinVar:

ClinVar aggregate classification (germline): Uncertain significance (1 of 4 stars; one submission).

Conditions:
Spastic paraplegia. Identifiers: MedGen C0037772, HP:0001258.

Submission:

Labcorp Genetics (formerly Invitae), Labcorp
Classification: Uncertain significance for Spastic paraplegia. Last evaluated: 2023-12-03. Review status: criteria provided, single submitter. Criteria: Invitae Variant Classification Sherloc (09022015). Collection method: clinical testing. Allele origin: germline.
Comment: This sequence change replaces proline, which is neutral and non-polar, with arginine, which is basic and polar, at codon 55 of the KIF5A protein (p.Pro55Arg). This variant is not present in population databases (gnomAD no frequency). This variant has not been reported in the literature in individuals affected with KIF5A-related conditions. Advanced modeling of protein sequence and biophysical properties (such as structural, functional, and spatial information, amino acid conservation, physicochemical variation, residue mobility, and thermodynamic stability) has been performed at Invitae for this missense variant, however the output from this modeling did not meet the statistical confidence thresholds required to predict the impact of this variant on KIF5A protein function. In summary, the available evidence is currently insufficient to determine the role of this variant in disease. Therefore, it has been classified as a Variant of Uncertain Significance.

NM_004984.4(KIF5A):c.164C>G (p.Pro55Arg)

Gene: KIF5A (kinesin family member 5A; plus strand). Cytogenetic location: 12q13.3.
Variant type: single nucleotide variant.
Coding change: c.164C>G on transcript NM_004984.4 (MANE Select); coding-DNA position 164, C replaced by G.
Protein change: p.Pro55Arg; replaces proline 55 with arginine.
Molecular consequence: missense variant. On other transcripts: intron variant (1).
Genome position (GRCh38, 1-based): chr12:57,563,473, C>G. VCF-style: chr12-57563473-C-G. GRCh37 (hg19) VCF-style: chr12-57957256-C-G.
Other names: c.130-987C>G (NM_001354705.2); short protein forms P55R.
Identifiers: ClinVar variation 3006333 (VCV003006333.3), dbSNP rs1014548294, ClinGen allele CA385492454.